The following is an entry in ClinVar:

NM_002354.3(EPCAM):c.398T>G (p.Ile133Arg)

Gene: EPCAM (epithelial cell adhesion molecule; plus strand). Cytogenetic location: 2p21.
Variant type: single nucleotide variant.
Coding change: c.398T>G on transcript NM_002354.3 (MANE Select); coding-DNA position 398, T replaced by G.
Protein change: p.Ile133Arg; replaces isoleucine 133 with arginine.
Molecular consequence: missense variant.
Genome position (GRCh38, 1-based): chr2:47,374,021, T>G. VCF-style: chr2-47374021-T-G. GRCh37 (hg19) VCF-style: chr2-47601160-T-G.
Other names: short protein forms I133R.
Identifiers: ClinVar variation 4249685 (VCV004249685.1).

ClinVar aggregate classification (germline): Uncertain significance (1 of 4 stars; one submission).

Conditions:
Hereditary cancer-predisposing syndrome. Also called: Hereditary Cancer Syndrome; Hereditary neoplastic syndrome; Neoplastic Syndromes, Hereditary; Tumor predisposition. Identifiers: Orphanet 140162, MedGen C0027672, MeSH D009386, MONDO:0015356.

Submission:

Ambry Genetics
Classification: Uncertain significance for Hereditary cancer-predisposing syndrome. Last evaluated: 2025-08-02. Review status: criteria provided, single submitter. Criteria: Ambry Variant Classification Scheme 2023. Collection method: clinical testing. Allele origin: germline.
Comment: The p.I133R variant (also known as c.398T>G), located in coding exon 3 of the EPCAM gene, results from a T to G substitution at nucleotide position 398. The isoleucine at codon 133 is replaced by arginine, an amino acid with similar properties. This amino acid position is conserved. In addition, this alteration is predicted to be tolerated by in silico analysis. Based on the available evidence, the clinical significance of this variant remains unclear.